The following is an entry in ClinVar:

ClinVar aggregate classification (germline): Uncertain significance (1 of 4 stars; one submission).

Submission:

GeneDx
Classification: Uncertain significance. Last evaluated: 2026-02-12. Review status: criteria provided, single submitter. Criteria: GeneDx Variant Classification Process June 2021. Collection method: clinical testing. Allele origin: germline.
Comment: Not observed at significant frequency in large population cohorts (gnomAD); In silico analysis suggests that this missense variant does not alter protein structure/function; Has not been previously published as pathogenic or benign to our knowledge

NM_001400225.1(MGA):c.6361A>T (p.Arg2121Trp)

Gene: MGA (MAX dimerization protein MGA; plus strand). Cytogenetic location: 15q15.1.
Variant type: single nucleotide variant.
Coding change: c.6361A>T on transcript NM_001400225.1 (MANE Select); coding-DNA position 6361, A replaced by T.
Protein change: p.Arg2121Trp; replaces arginine 2121 with tryptophan.
Molecular consequence: missense variant. On other transcripts: intron variant (1).
Genome position (GRCh38, 1-based): chr15:41,749,821, A>T. VCF-style: chr15-41749821-A-T. GRCh37 (hg19) VCF-style: chr15-42042019-A-T.
Other names: c.5587A>T, p.Arg1863Trp (NM_001080541.3); c.6214A>T, p.Arg2072Trp (NM_001164273.2); c.4105-4616A>T (NM_001400242.1); short protein forms R1863W, R2072W, R2121W.
Identifiers: ClinVar variation 4083170 (VCV004083170.2).